The following is an entry in ClinVar:

NM_005632.3(CAPN15):c.1203G>A (p.Ser401=)

Gene: CAPN15 (calpain 15; plus strand). Cytogenetic location: 16p13.3.
Variant type: single nucleotide variant.
Coding change: c.1203G>A on transcript NM_005632.3 (MANE Select); coding-DNA position 1203, G replaced by A.
Protein change: p.Ser401=; no amino-acid change (serine 401 retained).
Molecular consequence: synonymous variant.
Genome position (GRCh38, 1-based): chr16:548,041, G>A. VCF-style: chr16-548041-G-A. GRCh37 (hg19) VCF-style: chr16-598041-G-A.
Identifiers: ClinVar variation 3043404 (VCV003043404.3), dbSNP rs199911780, ClinGen allele CA7778279.
Genomic context (GRCh38, chr16:548,041, plus strand): 5'-CCCCGACTGTGGGGCCGACAAGCCCAGCCCCTGCGGCAGAAGCTGCGGACGGGTGTCCTC[G>A]GCCCAGAAGGCCGCCCGCGTCCTGCCCGAGCGCCCGGGCCAGTGGGCCTGCCCTGCCTGT-3'
Protein context (NP_005623.1, residues 391-411): PCGRSCGRVS[Ser401=]AQKAARVLPE

ClinVar aggregate classification (germline): Likely benign. Review status: criteria provided, single submitter (1 of 4 stars). 2 submissions from 2 submitters: Likely benign (1). 1 of the submissions does not count toward it. Last evaluated 2024-08-06.

Conditions:
CAPN15-related disorder. Also called: CAPN15-related condition.

Allele frequency attached by ClinVar (database versions not stated): TOPMed 0.00024; gnomAD 0.00026; ExAC 0.00099; 1000 Genomes Project 0.00140; 1000 Genomes Project 30x 0.00187.
gnomAD v4.1: 338 of 1,557,338 alleles (0.022%); highest among the groups gnomAD compares: East Asian, 0.72%; no homozygotes.

Submissions (2):

Blueprint Genetics
Classification: Likely benign. Last evaluated: 2024-08-06. Review status: criteria provided, single submitter. Criteria: ACMG Guidelines, 2015. Collection method: clinical testing. Allele origin: germline.

PreventionGenetics, part of Exact Sciences
Classification: Benign for CAPN15-related condition. Last evaluated: 2019-06-26. Review status: no assertion criteria provided. Collection method: clinical testing. Allele origin: germline. Not counted in ClinVar's aggregate classification.
Comment: This variant is classified as benign based on ACMG/AMP sequence variant interpretation guidelines (Richards et al. 2015 PMID: 25741868, with internal and published modifications).